The following is an entry in ClinVar:

NM_025144.4(ALPK1):c.2153G>C (p.Arg718Pro)

Gene: ALPK1 (alpha kinase 1; plus strand). Cytogenetic location: 4q25.
Variant type: single nucleotide variant.
Coding change: c.2153G>C on transcript NM_025144.4 (MANE Select); coding-DNA position 2153, G replaced by C.
Protein change: p.Arg718Pro; replaces arginine 718 with proline.
Molecular consequence: missense variant.
Genome position (GRCh38, 1-based): chr4:112,431,700, G>C. VCF-style: chr4-112431700-G-C. GRCh37 (hg19) VCF-style: chr4-113352856-G-C.
Other names: c.2153G>C, p.Arg718Pro (NM_001102406.2); c.1919G>C, p.Arg640Pro (NM_001253884.2); short protein forms R640P, R718P.
Identifiers: ClinVar variation 2870044 (VCV002870044.3), dbSNP rs143368967, ClinGen allele CA357896910.

ClinVar aggregate classification (germline): Uncertain significance (1 of 4 stars; one submission).

gnomAD v4.1: 1 of 1,614,142 alleles (0.000062%); highest among the groups gnomAD compares: Admixed American, 0.0017%; no homozygotes.

Submission:

Labcorp Genetics (formerly Invitae), Labcorp
Classification: Uncertain significance. Last evaluated: 2024-06-02. Review status: criteria provided, single submitter. Criteria: Invitae Variant Classification Sherloc (09022015). Collection method: clinical testing. Allele origin: germline.
Comment: This sequence change replaces arginine, which is basic and polar, with proline, which is neutral and non-polar, at codon 718 of the ALPK1 protein (p.Arg718Pro). This variant is present in population databases (no rsID available, gnomAD 0.003%). This variant has not been reported in the literature in individuals affected with ALPK1-related conditions. Advanced modeling of protein sequence and biophysical properties (such as structural, functional, and spatial information, amino acid conservation, physicochemical variation, residue mobility, and thermodynamic stability) performed at Invitae indicates that this missense variant is not expected to disrupt ALPK1 protein function with a negative predictive value of 80%. In summary, the available evidence is currently insufficient to determine the role of this variant in disease. Therefore, it has been classified as a Variant of Uncertain Significance.